The following is an entry in ClinVar:

ClinVar aggregate classification (germline): Uncertain significance. Review status: criteria provided, multiple submitters, no conflicts (2 of 4 stars). 2 submissions from 2 submitters: Uncertain significance (2). Last evaluated 2025-11-18.

Conditions:
Ehlers-Danlos syndrome, dermatosparaxis type. Also called: EDS VIIC; Dermatosparaxis; Ehlers-Danlos syndrome, type VII, autosomal recessive. Identifiers: Orphanet 1901, MedGen C2700425, MONDO:0009161, OMIM 225410.
Inborn genetic diseases. Identifiers: MedGen C0950123, MeSH D030342.

gnomAD v4.1: 7 of 1,110,860 alleles (0.00063%); highest among the groups gnomAD compares: Non-Finnish European, 0.00076%; no homozygotes.

Submissions (2):

Labcorp Genetics (formerly Invitae), Labcorp
Classification: Uncertain significance for Ehlers-Danlos syndrome, dermatosparaxis type. Last evaluated: 2025-11-18. Review status: criteria provided, single submitter. Criteria: Invitae Variant Classification Sherloc (09022015). Collection method: clinical testing. Allele origin: germline.
Comment: This sequence change replaces proline, which is neutral and non-polar, with glutamine, which is neutral and polar, at codon 46 of the ADAMTS2 protein (p.Pro46Gln). This variant is not present in population databases (gnomAD no frequency). This variant has not been reported in the literature in individuals affected with ADAMTS2-related conditions. ClinVar contains an entry for this variant (Variation ID: 4008001). Experimental studies and prediction algorithms are not available or were not evaluated, and the functional significance of this variant is currently unknown. In summary, the available evidence is currently insufficient to determine the role of this variant in disease. Therefore, it has been classified as a Variant of Uncertain Significance.

Ambry Genetics
Classification: Uncertain significance for Inborn genetic diseases. Last evaluated: 2025-06-10. Review status: criteria provided, single submitter. Criteria: Ambry Variant Classification Scheme 2023. Collection method: clinical testing. Allele origin: germline.

NM_014244.5(ADAMTS2):c.137C>A (p.Pro46Gln)

Gene: ADAMTS2 (ADAM metallopeptidase with thrombospondin type 1 motif 2; minus strand). Cytogenetic location: 5q35.3.
Variant type: single nucleotide variant.
Coding change: c.137C>A on transcript NM_014244.5 (MANE Select); coding-DNA position 137, C replaced by A.
Protein change: p.Pro46Gln; replaces proline 46 with glutamine.
Molecular consequence: missense variant.
Genome position (GRCh38, 1-based): chr5:179,345,192, G>T on the plus strand (C>A on the coding strand, the complement: ADAMTS2 is on the minus strand). VCF-style: chr5-179345192-G-T. GRCh37 (hg19) VCF-style: chr5-178772193-G-T.
Other names: c.137C>A, p.Pro46Gln (NM_021599.4); short protein forms P46Q.
Identifiers: ClinVar variation 4008001 (VCV004008001.2).